The following is an entry in ClinVar:

ClinVar aggregate classification (germline): Pathogenic (1 of 4 stars; one submission).

Submission:

Labcorp Genetics (formerly Invitae), Labcorp
Classification: Pathogenic. Last evaluated: 2023-10-22. Review status: criteria provided, single submitter. Criteria: Invitae Variant Classification Sherloc (09022015). Collection method: clinical testing. Allele origin: germline.
Comment: This variant is a gross deletion of the genomic region encompassing exon(s) 12 of the CEP152 gene. This deletion is out-of-frame, and is expected to create a premature termination codon and result in an absent or disrupted protein product. Loss-of-function variants in CEP152 are known to be pathogenic (PMID: 21131973). This variant has not been reported in the literature in individuals affected with CEP152-related conditions. For these reasons, this variant has been classified as Pathogenic.

Literature cited by the submitters: PubMed 21131973.

NC_000015.9:g.(?_49073373)_(49073576_?)del

Gene: CEP152 (centrosomal protein 152; minus strand). Cytogenetic location: 15q21.1.
Variant type: Deletion.
Identifiers: ClinVar variation 1456453 (VCV001456453.6).